The following is an entry in ClinVar:

NM_182961.4(SYNE1):c.19999A>G (p.Met6667Val)

Gene: SYNE1 (spectrin repeat containing nuclear envelope protein 1; minus strand). Cytogenetic location: 6q25.2.
Variant type: single nucleotide variant.
Coding change: c.19999A>G on transcript NM_182961.4 (MANE Select); coding-DNA position 19999, A replaced by G.
Protein change: p.Met6667Val; replaces methionine 6667 with valine.
Molecular consequence: missense variant.
Genome position (GRCh38, 1-based): chr6:152,239,601, T>C on the plus strand (A>G on the coding strand, the complement: SYNE1 is on the minus strand). VCF-style: chr6-152239601-T-C. GRCh37 (hg19) VCF-style: chr6-152560736-T-C.
Other names: c.19786A>G, p.Met6596Val (NM_033071.5); short protein forms M6596V, M6667V.
Identifiers: ClinVar variation 3904787 (VCV003904787.10).
Genomic context (GRCh38, chr6:152,239,601, plus strand): 5'-TGTACTCCAGCTCCACACCCCTCTTGTGAGCCCGTTTCAGTACAGCAGAAGCCTGAGCCA[T>C]CAGCTCTGTATGGAACTGGGTTTCCTTTTGGACTGCAAAGCTGATTATCTTTCTGAAGAG-3'
Protein context (NP_892006.3, residues 6657-6677): QKETQFHTEL[Met6667Val]AQASAVLKRA

ClinVar aggregate classification (germline): Uncertain significance (1 of 4 stars; one submission).

Submission:

CeGaT Center for Human Genetics Tuebingen
Classification: Uncertain significance. Last evaluated: 2025-06-01. Review status: criteria provided, single submitter. Criteria: CeGaT Center For Human Genetics Tuebingen Variant Classification Criteria Version 2. Collection method: clinical testing. Allele origin: germline. Affected: yes. Observed: 1 variant allele.
Comment: SYNE1: PM2, BP4